The following is an entry in ClinVar:

NC_000009.12:g.(?_127843094)_(127843245_?)del

Gene: ENG (endoglin; minus strand). Cytogenetic location: 9q34.11.
Variant type: Deletion.
Identifiers: ClinVar variation 417396 (VCV000417396.1).

ClinVar aggregate classification (germline): Pathogenic (1 of 4 stars; one submission).

Conditions:
Telangiectasia, hereditary hemorrhagic, type 1 (HHT1). Also called: ENG-Related Hereditary Hemorrhagic Telangiectasia; Osler Weber Rendu syndrome type 1. Identifiers: Orphanet 774, MedGen C4551861, MONDO:0008535, OMIM 187300. Disease mechanism: loss of function.

Submission:

Labcorp Genetics (formerly Invitae), Labcorp
Classification: Pathogenic for Hereditary hemorrhagic telangiectasia. Last evaluated: 2016-10-05. Review status: criteria provided, single submitter. Criteria: Invitae Variant Classification Sherloc (09022015). Collection method: clinical testing. Allele origin: germline.
Comment: This variant is a gross deletion of the genomic region encompassing exon 2 of the ENG gene. This creates a premature translational stop signal and is expected to result in an absent or disrupted protein product. Loss-of-function variants in ENG are known to be pathogenic. A similar deletion of exon 2 has been reported in the literature in patients with personal and family history of epistaxis and telangiectasia and/or arteriovenous malformations (PMID: 20414677). For these reasons, this variant has been classified as Pathogenic.